The following is an entry in ClinVar:

NM_001384732.1(CPLANE1):c.5141C>T (p.Thr1714Ile)

Gene: CPLANE1 (ciliogenesis and planar polarity effector complex subunit 1; minus strand). Cytogenetic location: 5p13.2.
Variant type: single nucleotide variant.
Coding change: c.5141C>T on transcript NM_001384732.1 (MANE Select); coding-DNA position 5141, C replaced by T.
Protein change: p.Thr1714Ile; replaces threonine 1714 with isoleucine.
Molecular consequence: missense variant.
Genome position (GRCh38, 1-based): chr5:37,183,040, G>A on the plus strand (C>T on the coding strand, the complement: CPLANE1 is on the minus strand). VCF-style: chr5-37183040-G-A. GRCh37 (hg19) VCF-style: chr5-37183142-G-A.
Other names: c.5141C>T, p.Thr1714Ile (NM_023073.4); short protein forms T1714I.
Identifiers: ClinVar variation 1429610 (VCV001429610.6), dbSNP rs1424442518, ClinGen allele CA359493786.
Genomic context (GRCh38, chr5:37,183,040, plus strand): 5'-GGAAGATCTTCTTGAGGGTTAATATCATTGCACTGAATAGCTTTGAAAATACATCTTCTA[G>A]TTTTAATGGACTTGGGAGTCCAAAAAATGTGGTTTGATGATCTCTGGATTAGACATTTCT-3'
Protein context (NP_001371661.1, residues 1704-1724): HIFWTPKSIK[Thr1714Ile]RRCIFKAIQC

ClinVar aggregate classification (germline): Uncertain significance. Review status: criteria provided, multiple submitters, no conflicts (2 of 4 stars). 2 submissions from 2 submitters: Uncertain significance (2). Last evaluated 2024-10-26.

Conditions:
Joubert syndrome 17 (JBTS17). Identifiers: Orphanet 475, MedGen C3553264, MONDO:0013824, OMIM 614615.
Orofaciodigital syndrome type 6 (OFD6). Also called: Oral-facial-digital syndrome type 6; Central polydactyly cleft lip/palate or lingual lump and psychomotor retardation; Y-shaped central metacarpal and cerebellar defect; Joubert syndrome with orofacialdigital anomalies; OROFACIODIGITAL SYNDROME VI; OFDS VI. Identifiers: Orphanet 2754, MedGen C2745997, MONDO:0010176, OMIM 277170.

Allele frequency attached by ClinVar (database versions not stated): gnomAD exomes below 0.00001; gnomAD 0.00003 and 0.00004; TOPMed 0.00007.
gnomAD v4.1: 6 of 1,613,274 alleles (0.00037%); highest among the groups gnomAD compares: African/African-American, 0.004%; no homozygotes.

Submissions (2):

Labcorp Genetics (formerly Invitae), Labcorp
Classification: Uncertain significance. Last evaluated: 2024-10-26. Review status: criteria provided, single submitter. Criteria: Invitae Variant Classification Sherloc (09022015). Collection method: clinical testing. Allele origin: germline.
Comment: This sequence change replaces threonine, which is neutral and polar, with isoleucine, which is neutral and non-polar, at codon 1714 of the CPLANE1 protein (p.Thr1714Ile). This variant is present in population databases (no rsID available, gnomAD 0.003%). This variant has not been reported in the literature in individuals affected with CPLANE1-related conditions. ClinVar contains an entry for this variant (Variation ID: 1429610). Invitae Evidence Modeling of protein sequence and biophysical properties (such as structural, functional, and spatial information, amino acid conservation, physicochemical variation, residue mobility, and thermodynamic stability) indicates that this missense variant is not expected to disrupt CPLANE1 protein function with a negative predictive value of 95%. In summary, the available evidence is currently insufficient to determine the role of this variant in disease. Therefore, it has been classified as a Variant of Uncertain Significance.

Fulgent Genetics
Classification: Uncertain significance for Orofaciodigital syndrome type 6; Joubert syndrome 17. Last evaluated: 2022-01-03. Review status: criteria provided, single submitter. Criteria: ACMG Guidelines, 2015. Collection method: clinical testing. Allele origin: unknown.